The following is an entry in ClinVar:

NM_130468.4(CHST14):c.743G>C (p.Gly248Ala)

Gene: CHST14 (carbohydrate sulfotransferase 14; plus strand). Cytogenetic location: 15q15.1.
Variant type: single nucleotide variant.
Coding change: c.743G>C on transcript NM_130468.4 (MANE Select); coding-DNA position 743, G replaced by C.
Protein change: p.Gly248Ala; replaces glycine 248 with alanine.
Molecular consequence: missense variant.
Genome position (GRCh38, 1-based): chr15:40,471,956, G>C. VCF-style: chr15-40471956-G-C. GRCh37 (hg19) VCF-style: chr15-40764155-G-C.
Other names: short protein forms G248A.
Identifiers: ClinVar variation 859068 (VCV000859068.10), dbSNP rs778069410, ClinGen allele CA7481638.
Genomic context (GRCh38, chr15:40,471,956, plus strand): 5'-GCGAGATCCGAGAGTACCAGCAACGCTATGGGGCTGAGATAGTGAGGCGGTACAGGGCTG[G>C]AGCGGGGCCCAGCCCTGCAGGCGACGATGTCACATTCCCCGAGTTCCTGAGATACCTGGT-3'
Protein context (NP_569735.1, residues 238-258): GAEIVRRYRA[Gly248Ala]AGPSPAGDDV

ClinVar aggregate classification (germline): Uncertain significance. Review status: criteria provided, multiple submitters, no conflicts (2 of 4 stars). 3 submissions from 3 submitters: Uncertain significance (3). Last evaluated 2025-08-01.

Conditions:
Cardiovascular phenotype. Identifiers: MedGen CN230736.
Ehlers-Danlos syndrome, musculocontractural type (EDSMC). Also called: Adducted thumb, clubfoot, progressive joint and skin laxity syndrome; DUNDAR SYNDROME; ADDUCTED THUMB-CLUBFOOT SYNDROME; ARTHROGRYPOSIS, DISTAL, WITH PECULIAR FACIES AND HYDRONEPHROSIS. Identifiers: Orphanet 2953, MedGen C1866294, MONDO:0011142.

Allele frequency attached by ClinVar (database versions not stated): ExAC 0.00002; gnomAD exomes 0.00002 and 0.00004; TOPMed 0.00002; gnomAD 0.00003.
gnomAD v4.1: 57 of 1,613,976 alleles (0.0035%); highest among the groups gnomAD compares: Non-Finnish European, 0.0047%; no homozygotes.

Submissions (3):

Ambry Genetics
Classification: Uncertain significance for Cardiovascular phenotype. Last evaluated: 2025-08-01. Review status: criteria provided, single submitter. Criteria: Ambry Variant Classification Scheme 2023. Collection method: clinical testing. Allele origin: germline.

GeneDx
Classification: Uncertain significance. Last evaluated: 2023-07-12. Review status: criteria provided, single submitter. Criteria: GeneDx Variant Classification Process June 2021. Collection method: clinical testing. Allele origin: germline. Affected: yes.
Comment: Not observed at significant frequency in large population cohorts (gnomAD); In silico analysis supports that this missense variant does not alter protein structure/function; Has not been previously published as pathogenic or benign to our knowledge

Labcorp Genetics (formerly Invitae), Labcorp
Classification: Uncertain significance for Ehlers-Danlos syndrome, musculocontractural type. Last evaluated: 2022-10-28. Review status: criteria provided, single submitter. Criteria: Invitae Variant Classification Sherloc (09022015). Collection method: clinical testing. Allele origin: germline.
Comment: This sequence change replaces glycine, which is neutral and non-polar, with alanine, which is neutral and non-polar, at codon 248 of the CHST14 protein (p.Gly248Ala). This variant is present in population databases (rs778069410, gnomAD 0.004%). This variant has not been reported in the literature in individuals affected with CHST14-related conditions. ClinVar contains an entry for this variant (Variation ID: 859068). Advanced modeling of protein sequence and biophysical properties (such as structural, functional, and spatial information, amino acid conservation, physicochemical variation, residue mobility, and thermodynamic stability) performed at Invitae indicates that this missense variant is not expected to disrupt CHST14 protein function. In summary, the available evidence is currently insufficient to determine the role of this variant in disease. Therefore, it has been classified as a Variant of Uncertain Significance.